The following is an entry in ClinVar:

NM_018089.3(ANKZF1):c.997_1000del (p.Phe333fs)

Gene: ANKZF1 (ankyrin repeat and zinc finger peptidyl tRNA hydrolase 1; plus strand). Cytogenetic location: 2q35.
Variant type: Deletion.
Coding change: c.997_1000del on transcript NM_018089.3 (MANE Select); coding-DNA positions 997 to 1000, 4 bases deleted (TTCC; older notation c.997_1000delTTCC).
Protein change: p.Phe333fs; shifts the reading frame from phenylalanine 333.
Molecular consequence: frameshift variant.
Genome position (GRCh38, 1-based): chr2:219,233,892-219,233,895, TTCC deleted; deleting any 4 consecutive bases within chr2:219,233,890-219,233,895 gives the same sequence; the c. name uses the placement nearest the transcript's 3' end. VCF-style (leftmost placement, unchanged base first): chr2-219233889-ACCTT-A. GRCh37 (hg19) VCF-style: chr2-220098611-ACCTT-A.
Other names: c.997_1000del, p.Phe333fs (NM_001042410.2); c.367_370del, p.Phe123fs (NM_001282792.2); short protein forms F123fs, F333fs.
Identifiers: ClinVar variation 2115711 (VCV002115711.4), dbSNP rs2544921545, ClinGen allele CA2580065752.
Genomic context (GRCh38, chr2:219,233,889, plus strand): 5'-GCACCCCTGCAAAGGGGGGATCCCCGACTTTGGGATATCCCCCTCGCCACCCGCAGACCC[ACCTT>A]CCAAGAGCTACAGCGTGTGCTCCATAAGCTGACCACTTTGCATGTCTATGGTGAGCCTTT-3'

ClinVar aggregate classification (germline): Uncertain significance (1 of 4 stars; one submission).

Submission:

Labcorp Genetics (formerly Invitae), Labcorp
Classification: Uncertain significance. Last evaluated: 2022-03-22. Review status: criteria provided, single submitter. Criteria: Invitae Variant Classification Sherloc (09022015). Collection method: clinical testing. Allele origin: germline.
Comment: This sequence change creates a premature translational stop signal (p.Phe333Lysfs*10) in the ANKZF1 gene. It is expected to result in an absent or disrupted protein product. However, the current clinical and genetic evidence is not sufficient to establish whether loss-of-function variants in ANKZF1 cause disease. This variant is not present in population databases (gnomAD no frequency). This variant has not been reported in the literature in individuals affected with ANKZF1-related conditions. In summary, the available evidence is currently insufficient to determine the role of this variant in disease. Therefore, it has been classified as a Variant of Uncertain Significance.